The following is an entry in ClinVar:

NM_001378454.1(ALMS1):c.9401A>G (p.Asp3134Gly)

Gene: ALMS1 (ALMS1 centrosome and basal body associated protein; plus strand). Cytogenetic location: 2p13.1.
Variant type: single nucleotide variant.
Coding change: c.9401A>G on transcript NM_001378454.1 (MANE Select); coding-DNA position 9401, A replaced by G.
Protein change: p.Asp3134Gly; replaces aspartic acid 3134 with glycine.
Molecular consequence: missense variant.
Genome position (GRCh38, 1-based): chr2:73,491,360, A>G. VCF-style: chr2-73491360-A-G. GRCh37 (hg19) VCF-style: chr2-73718487-A-G.
Other names: c.9404A>G, p.Asp3135Gly (NM_015120.4); short protein forms D3134G, D3135G.
Identifiers: ClinVar variation 1905206 (VCV001905206.3), dbSNP rs2466220665, ClinGen allele CA347274713.
Genomic context (GRCh38, chr2:73,491,360, plus strand): 5'-TAGGTTTTCTAGGACCTAAATCTTCACTGGATTTCCAAGTCGTACAGCCTTCTCTTCCAG[A>G]CAGTAACACTATTACTCAGGACTTGAAAACCATACCTTCTCAGAATAGCCAGATAGTAAC-3'
Protein context (NP_001365383.1, residues 3124-3144): DFQVVQPSLP[Asp3134Gly]SNTITQDLKT

ClinVar aggregate classification (germline): Uncertain significance. Review status: criteria provided, multiple submitters, no conflicts (2 of 4 stars). 2 submissions from 2 submitters: Uncertain significance (2). Last evaluated 2023-10-30.

Conditions:
Alstrom syndrome (ALMS). Identifiers: Orphanet 64, MedGen C0268425, MONDO:0008763, OMIM 203800.
ALMS1-related disorder. Also called: ALMS1-related condition.

Submissions (2):

PreventionGenetics, part of Exact Sciences
Classification: Uncertain significance for ALMS1-related condition. Last evaluated: 2023-10-30. Review status: criteria provided, single submitter. Criteria: ACMG Guidelines, 2015. Collection method: clinical testing. Allele origin: germline.
Comment: The ALMS1 c.9404A>G variant is predicted to result in the amino acid substitution p.Asn3135Ser. To our knowledge, this variant has not been reported in the literature. This variant is reported in 0.013% of alleles in individuals of African descent in gnomAD. At this time, the clinical significance of this variant is uncertain due to the absence of conclusive functional and genetic evidence.

Labcorp Genetics (formerly Invitae), Labcorp
Classification: Uncertain significance for Alstrom syndrome. Last evaluated: 2021-12-23. Review status: criteria provided, single submitter. Criteria: Invitae Variant Classification Sherloc (09022015). Collection method: clinical testing. Allele origin: germline.
Comment: This sequence change replaces aspartic acid, which is acidic and polar, with glycine, which is neutral and non-polar, at codon 3135 of the ALMS1 protein (p.Asp3135Gly). This variant is not present in population databases (gnomAD no frequency). This variant has not been reported in the literature in individuals affected with ALMS1-related conditions. Experimental studies and prediction algorithms are not available or were not evaluated, and the functional significance of this variant is currently unknown. In summary, the available evidence is currently insufficient to determine the role of this variant in disease. Therefore, it has been classified as a Variant of Uncertain Significance.